The following is an entry in ClinVar:

ClinVar aggregate classification (germline): Uncertain significance (1 of 4 stars; one submission).

Allele frequency attached by ClinVar (database versions not stated): gnomAD exomes below 0.00001.
gnomAD v4.1: 2 of 1,529,194 alleles (0.00013%); highest among the groups gnomAD compares: Admixed American, 0.0021%; no homozygotes.

Submission:

Labcorp Genetics (formerly Invitae), Labcorp
Classification: Uncertain significance. Last evaluated: 2022-08-21. Review status: criteria provided, single submitter. Criteria: Invitae Variant Classification Sherloc (09022015). Collection method: clinical testing. Allele origin: germline.
Comment: In summary, the available evidence is currently insufficient to determine the role of this variant in disease. Therefore, it has been classified as a Variant of Uncertain Significance. Algorithms developed to predict the effect of missense changes on protein structure and function are either unavailable or do not agree on the potential impact of this missense change (SIFT: "Deleterious"; PolyPhen-2: "Probably Damaging"; Align-GVGD: "Class C0"). This variant has not been reported in the literature in individuals affected with LEMD3-related conditions. The frequency data for this variant in the population databases is considered unreliable, as metrics indicate poor data quality at this position in the gnomAD database. This sequence change replaces asparagine, which is neutral and polar, with serine, which is neutral and polar, at codon 68 of the LEMD3 protein (p.Asn68Ser).

NM_014319.5(LEMD3):c.203A>G (p.Asn68Ser)

Gene: LEMD3 (LEM domain containing 3; plus strand). Cytogenetic location: 12q14.3.
Variant type: single nucleotide variant.
Coding change: c.203A>G on transcript NM_014319.5 (MANE Select); coding-DNA position 203, A replaced by G.
Protein change: p.Asn68Ser; replaces asparagine 68 with serine.
Molecular consequence: missense variant.
Genome position (GRCh38, 1-based): chr12:65,169,799, A>G. VCF-style: chr12-65169799-A-G. GRCh37 (hg19) VCF-style: chr12-65563579-A-G.
Other names: c.203A>G, p.Asn68Ser (NM_001167614.2); short protein forms N68S.
Identifiers: ClinVar variation 1717290 (VCV001717290.5), dbSNP rs1350205443, ClinGen allele CA385672063.